The following is an entry in ClinVar:

ClinVar aggregate classification (germline): Conflicting classifications of pathogenicity. Review status: criteria provided, conflicting classifications (1 of 4 stars). 9 submissions from 9 submitters: Uncertain significance (5); Likely benign (1). 3 of the submissions do not count toward it. Last evaluated 2026-01-16.

Conditions:
Usher syndrome type 1B (USH1B). Also called: Usher syndrome type IB. Identifiers: MedGen C1848638, MONDO:0700087.

Allele frequency attached by ClinVar (database versions not stated): TOPMed 0.00025; gnomAD 0.00028 and 0.00030; ExAC 0.00035.
gnomAD v4.1: 695 of 1,612,286 alleles (0.043%); highest among the groups gnomAD compares: Non-Finnish European, 0.056%; 1 homozygote.

Submissions (9):

Labcorp Genetics (formerly Invitae), Labcorp
Classification: Likely benign. Last evaluated: 2026-01-16. Review status: criteria provided, single submitter. Criteria: Invitae Variant Classification Sherloc (09022015). Collection method: clinical testing. Allele origin: germline.

CeGaT Center for Human Genetics Tuebingen
Classification: Uncertain significance. Last evaluated: 2025-12-01. Review status: criteria provided, single submitter. Criteria: CeGaT Center For Human Genetics Tuebingen Variant Classification Criteria Version 2. Collection method: clinical testing. Allele origin: germline. Affected: yes. Observed: 3 variant alleles.
Comment: MYO7A: PM5, PP3

GeneDx
Classification: Uncertain significance. Last evaluated: 2024-10-28. Review status: criteria provided, single submitter. Criteria: GeneDx Variant Classification Process June 2021. Collection method: clinical testing. Allele origin: germline. Affected: yes.
Comment: In silico analysis supports that this missense variant has a deleterious effect on protein structure/function; Has not been previously published as pathogenic or benign to our knowledge

Blueprint Genetics
Classification: Uncertain significance. Last evaluated: 2024-10-10. Review status: criteria provided, single submitter. Criteria: ACMG Guidelines, 2015. Collection method: clinical testing. Allele origin: germline.

Laboratory for Molecular Medicine, Mass General Brigham Personalized Medicine
Classification: Uncertain significance. Last evaluated: 2016-09-12. Review status: criteria provided, single submitter. Criteria: LMM Criteria. Collection method: clinical testing. Allele origin: germline. Observed: 2 variant alleles.
Comment: In addition, it has been identified in 34/65670 of European chromosomes by the Exome Aggregation Consortium (ExAC; dbSNP rs121965081); however this frequency is not high enough to rule out a pathogenic role. Computational prediction tools and conservation anal ysis suggest the variant may impact the protein. These data suggest that variant s at this amino acid position are not tolerated; however this information is ins ufficient to assume pathogenicity. In summary, the clinical significance of the p.Arg244His is uncertain.

Eurofins Ntd Llc (ga)
Classification: Uncertain significance. Last evaluated: 2016-09-08. Review status: criteria provided, single submitter. Criteria: EGL Classification Definitions 2015. Collection method: clinical testing. Allele origin: germline. Observed: 1 variant allele, 1 heterozygote.

Natera, Inc.
Classification: Uncertain significance for Usher syndrome type 1B. Last evaluated: 2020-02-21. Review status: no assertion criteria provided. Collection method: clinical testing. Allele origin: germline. Not counted in ClinVar's aggregate classification.

Clinical Genetics DNA and cytogenetics Diagnostics Lab, Erasmus MC, Erasmus Medical Center
Classification: Uncertain significance. Review status: no assertion criteria provided. Collection method: clinical testing. Allele origin: germline. Affected: yes. Study: VKGL Data-share Consensus. Not counted in ClinVar's aggregate classification.

Joint Genome Diagnostic Labs from Nijmegen and Maastricht, Radboudumc and MUMC+
Classification: Uncertain significance. Review status: no assertion criteria provided. Collection method: clinical testing. Allele origin: germline. Affected: yes. Study: VKGL Data-share Consensus. Not counted in ClinVar's aggregate classification.

Literature cited by the submitters: PubMed 9171832 (cited by Laboratory for Molecular Medicine, Mass General Brigham Personalized Medicine).

NM_000260.4(MYO7A):c.731G>A (p.Arg244His)

Gene: MYO7A (myosin VIIA; plus strand). Cytogenetic location: 11q13.5.
Variant type: single nucleotide variant.
Coding change: c.731G>A on transcript NM_000260.4 (MANE Select); coding-DNA position 731, G replaced by A.
Protein change: p.Arg244His; replaces arginine 244 with histidine.
Molecular consequence: missense variant.
Genome position (GRCh38, 1-based): chr11:77,157,000, G>A. VCF-style: chr11-77157000-G-A. GRCh37 (hg19) VCF-style: chr11-76868046-G-A.
Other names: c.731G>A, p.Arg244His (NM_001127180.2); c.698G>A, p.Arg233His (NM_001369365.1); short protein forms R244H, R233H.
Identifiers: ClinVar variation 289999 (VCV000289999.55), dbSNP rs121965081, ClinGen allele CA6197225.